The following is an entry in ClinVar:

ClinVar aggregate classification (germline): Likely pathogenic (1 of 4 stars; one submission).

Conditions:
Intellectual developmental disorder with nasal speech, dysmorphic facies, and variable skeletal anomalies. Identifiers: MedGen C5231426, MONDO:0032832, OMIM 618608.

Submission:

3billion
Classification: Likely pathogenic for Intellectual developmental disorder with nasal speech, dysmorphic facies, and variable skeletal anomalies. Last evaluated: 2025-06-18. Review status: criteria provided, single submitter. Criteria: ACMG Guidelines, 2015. Collection method: clinical testing. Allele origin: germline. Affected: yes.
Comment: The variant is not observed in the gnomAD v4.1.0 dataset. Predicted Consequence/Location: Frameshift: predicted to result in a loss or disruption of normal protein function through protein truncation. The predicted truncated protein may be shortened by less than 10%. Therefore, this variant is classified as Likely pathogenic according to the recommendation of ACMG/AMP guideline.

NM_014515.7(CNOT2):c.1575_1576dup (p.His526fs)

Gene: CNOT2 (CCR4-NOT transcription complex subunit 2; plus strand). Cytogenetic location: 12q15.
Variant type: Duplication.
Coding change: c.1575_1576dup on transcript NM_014515.7 (MANE Select); coding-DNA positions 1575 to 1576, 2 bases duplicated (TC; older notation c.1575_1576dupTC).
Protein change: p.His526fs; shifts the reading frame from histidine 526.
Molecular consequence: frameshift variant. On other transcripts: non-coding transcript variant (1).
Genome position (GRCh38, 1-based): chr12:70,353,867-70,353,868, TC duplicated; duplicating any 2 consecutive bases within chr12:70,353,866-70,353,868 gives the same sequence; the c. name uses the placement nearest the transcript's 3' end. VCF-style (leftmost placement, unchanged base first): chr12-70353865-C-CCT. GRCh37 (hg19) VCF-style: chr12-70747645-C-CCT.
Other names: c.1575_1576dup, p.His526fs (NM_001199302.2, NM_001199303.2, NM_001414651.1); c.1566_1567dup, p.His523fs (NM_001414652.1); c.1548_1549dup, p.His517fs (NM_001414653.1, NM_001414654.1, NM_001414655.1); c.1533_1534dup, p.His512fs (NM_001414656.1); c.1515_1516dup, p.His506fs (NM_001414657.1, NM_001414658.1, NM_001414659.1 and 1 more transcripts); c.1452_1453dup, p.His485fs (NM_001414661.1); c.1392_1393dup, p.His465fs (NM_001414662.1); short protein forms H465fs, H485fs, H506fs, H512fs, H517fs, H523fs, H526fs.
Identifiers: ClinVar variation 4855827 (VCV004855827.1).